The following is an entry in ClinVar:

NM_012123.4(MTO1):c.502A>T (p.Thr168Ser)

Gene: MTO1 (mitochondrial tRNA translation optimization 1; plus strand). Cytogenetic location: 6q13.
Variant type: single nucleotide variant.
Coding change: c.502A>T on transcript NM_012123.4 (MANE Select); coding-DNA position 502, A replaced by T.
Protein change: p.Thr168Ser; replaces threonine 168 with serine.
Molecular consequence: missense variant.
Genome position (GRCh38, 1-based): chr6:73,466,573, A>T. VCF-style: chr6-73466573-A-T. GRCh37 (hg19) VCF-style: chr6-74176296-A-T.
Other names: c.502A>T, p.Thr168Ser (NM_001123226.2, NM_133645.3); c.502A>T (NM_001123226.1); short protein forms T168S.
Identifiers: ClinVar variation 2074183 (VCV002074183.5), dbSNP rs775571593, ClinGen allele CA3889363.

ClinVar aggregate classification (germline): Uncertain significance. Review status: criteria provided, multiple submitters, no conflicts (2 of 4 stars). 2 submissions from 2 submitters: Uncertain significance (2). Last evaluated 2024-12-23.

Conditions:
Mitochondrial hypertrophic cardiomyopathy with lactic acidosis due to MTO1 deficiency. Also called: CARDIOMYOPATHY, INFANTILE HYPERTROPHIC MITOCHONDRIAL, AND LACTIC ACIDOSIS; Combined oxidative phosphorylation deficiency 10. Identifiers: Orphanet 314637, MedGen C4749921, MONDO:0013865, OMIM 614702.
Inborn genetic diseases. Identifiers: MedGen C0950123, MeSH D030342.

Allele frequency attached by ClinVar (database versions not stated): TOPMed 0.00001; ExAC 0.00001.
gnomAD v4.1: 4 of 1,614,158 alleles (0.00025%); highest among the groups gnomAD compares: Admixed American, 0.0033%; no homozygotes.

Submissions (2):

Ambry Genetics
Classification: Uncertain significance for Inborn genetic diseases. Last evaluated: 2024-12-23. Review status: criteria provided, single submitter. Criteria: Ambry Variant Classification Scheme 2023. Collection method: clinical testing. Allele origin: germline.

Labcorp Genetics (formerly Invitae), Labcorp
Classification: Uncertain significance for Mitochondrial hypertrophic cardiomyopathy with lactic acidosis due to MTO1 deficiency. Last evaluated: 2022-08-15. Review status: criteria provided, single submitter. Criteria: Invitae Variant Classification Sherloc (09022015). Collection method: clinical testing. Allele origin: germline.
Comment: This variant has not been reported in the literature in individuals affected with MTO1-related conditions. This variant is present in population databases (rs775571593, gnomAD 0.01%). Algorithms developed to predict the effect of missense changes on protein structure and function (SIFT, PolyPhen-2, Align-GVGD) all suggest that this variant is likely to be tolerated. In summary, the available evidence is currently insufficient to determine the role of this variant in disease. Therefore, it has been classified as a Variant of Uncertain Significance. This sequence change replaces threonine, which is neutral and polar, with serine, which is neutral and polar, at codon 168 of the MTO1 protein (p.Thr168Ser).